The following is an entry in ClinVar:

NM_001378454.1(ALMS1):c.11653A>G (p.Lys3885Glu)

Gene: ALMS1 (ALMS1 centrosome and basal body associated protein; plus strand). Cytogenetic location: 2p13.1.
Variant type: single nucleotide variant.
Coding change: c.11653A>G on transcript NM_001378454.1 (MANE Select); coding-DNA position 11653, A replaced by G.
Protein change: p.Lys3885Glu; replaces lysine 3885 with glutamic acid.
Molecular consequence: missense variant.
Genome position (GRCh38, 1-based): chr2:73,599,506, A>G. VCF-style: chr2-73599506-A-G. GRCh37 (hg19) VCF-style: chr2-73826633-A-G.
Other names: c.11656A>G, p.Lys3886Glu (NM_015120.4); short protein forms K3886E, K3885E.
Identifiers: ClinVar variation 4995929 (VCV004995929.1).
Genomic context (GRCh38, chr2:73,599,506, plus strand): 5'-AGTAGTTTCCTGAGCTCAAACTCTACTTTTTGCAACAAGCAGAATGTACACATGTTAAAC[A>G]AGGGCATACAAGCAGGTAATTACTTGAATCTAAACTTTTTCATTGAAATACATTGAAATG-3'
Protein context (NP_001365383.1, residues 3875-3895): CNKQNVHMLN[Lys3885Glu]GIQAGNLEIV

ClinVar aggregate classification (germline): Uncertain significance (1 of 4 stars; one submission).

Conditions:
ALMS1-related disorder. Also called: ALMS1-related condition.

Submission:

PreventionGenetics, part of Exact Sciences
Classification: Uncertain significance for ALMS1-related condition. Last evaluated: 2025-10-22. Review status: criteria provided, single submitter. Criteria: ACMG Guidelines, 2015. Collection method: clinical testing. Allele origin: germline.
Comment: The ALMS1 c.11656A>G variant is predicted to result in the amino acid substitution p.Ile3886Val. To our knowledge, this variant has not been reported in the literature or in a large population database (gnomAD), indicating this variant is rare. At this time, the clinical significance of this variant is uncertain due to the absence of conclusive functional and genetic evidence.